The following is an entry in ClinVar:

ClinVar aggregate classification (germline): Uncertain significance (1 of 4 stars; one submission).

Conditions:
Cardiovascular phenotype. Identifiers: MedGen CN230736.

Allele frequency attached by ClinVar (database versions not stated): gnomAD exomes below 0.00001; ExAC 0.00001; gnomAD 0.00001; TOPMed 0.00002.
gnomAD v4.1: 3 of 1,614,006 alleles (0.00019%); highest among the groups gnomAD compares: East Asian, 0.0067%; no homozygotes.

Submission:

Ambry Genetics
Classification: Uncertain significance for Cardiovascular phenotype. Last evaluated: 2018-10-18. Review status: criteria provided, single submitter. Criteria: Ambry Variant Classification Scheme 2023. Collection method: clinical testing. Allele origin: germline.
Comment: The p.G53R variant (also known as c.157G>A), located in coding exon 2 of the TBX5 gene, results from a G to A substitution at nucleotide position 157. The glycine at codon 53 is replaced by arginine, an amino acid with dissimilar properties. This amino acid position is highly conserved in available vertebrate species. In addition, the in silico prediction for this alteration is inconclusive. Since supporting evidence is limited at this time, the clinical significance of this alteration remains unclear.

NM_181486.4(TBX5):c.157G>A (p.Gly53Arg)

Gene: TBX5 (T-box transcription factor 5; minus strand). Cytogenetic location: 12q24.21.
Variant type: single nucleotide variant.
Coding change: c.157G>A on transcript NM_181486.4 (MANE Select); coding-DNA position 157, G replaced by A.
Protein change: p.Gly53Arg; replaces glycine 53 with arginine.
Molecular consequence: missense variant.
Genome position (GRCh38, 1-based): chr12:114,401,911, C>T on the plus strand (G>A on the coding strand, the complement: TBX5 is on the minus strand). VCF-style: chr12-114401911-C-T. GRCh37 (hg19) VCF-style: chr12-114839716-C-T.
Other names: c.157G>A, p.Gly53Arg (NM_000192.3); c.7G>A, p.Gly3Arg (NM_080717.4); short protein forms G3R, G53R.
Identifiers: ClinVar variation 1775655 (VCV001775655.2), dbSNP rs779550194, ClinGen allele CA6809690.